The following is an entry in ClinVar:

ClinVar aggregate classification (germline): Uncertain significance (1 of 4 stars; one submission).

Submission:

Dasa
Classification: Uncertain significance. Last evaluated: 2024-08-16. Review status: criteria provided, single submitter. Criteria: DASA Assertion Criteria. Collection method: clinical testing. Allele origin: germline.
Comment: NM_001365088.1(SLC12A6):c.1007G>A (p.Gly336Asp) is a missense variant that results in the substitution of glycine with aspartic acid. This variant is absent from population databases. Computational prediction algorithms are consistent with a deleterious effect. The currently available literature and clinical evidence are not sufficient to establish a definitive association between this variant and the reported condition. Therefore, this variant is classified as a variant of uncertain significance.

NM_001365088.1(SLC12A6):c.1007G>A (p.Gly336Asp)

Gene: SLC12A6 (solute carrier family 12 member 6; minus strand). Cytogenetic location: 15q14.
Variant type: single nucleotide variant.
Coding change: c.1007G>A on transcript NM_001365088.1 (MANE Select); coding-DNA position 1007, G replaced by A.
Protein change: p.Gly336Asp; replaces glycine 336 with aspartic acid.
Molecular consequence: missense variant.
Genome position (GRCh38, 1-based): chr15:34,254,459, C>T on the plus strand (G>A on the coding strand, the complement: SLC12A6 is on the minus strand). VCF-style: chr15-34254459-C-T. GRCh37 (hg19) VCF-style: chr15-34546660-C-T.
Other names: c.830G>A, p.Gly277Asp (NM_001042494.2, NM_001042495.2); c.980G>A, p.Gly327Asp (NM_001042496.2); c.962G>A, p.Gly321Asp (NM_001042497.2); c.854G>A, p.Gly285Asp (NM_005135.2); c.1007G>A, p.Gly336Asp (NM_133647.2); short protein forms G277D, G285D, G321D, G327D, G336D.
Identifiers: ClinVar variation 4883108 (VCV004883108.2).